The following is an entry in ClinVar:

ClinVar aggregate classification (germline): Pathogenic (1 of 4 stars; one submission).

Submission:

GeneDx
Classification: Pathogenic. Last evaluated: 2024-06-25. Review status: criteria provided, single submitter. Criteria: GeneDx Variant Classification Process June 2021. Collection method: clinical testing. Allele origin: germline. Affected: yes.
Comment: Nonsense variant predicted to result in protein truncation or nonsense mediated decay in a gene for which loss of function is a known mechanism of disease; Not observed at significant frequency in large population cohorts (gnomAD); Has not been previously published as pathogenic or benign to our knowledge

NM_001303052.2(MYT1L):c.409G>T (p.Glu137Ter)

Gene: MYT1L (myelin transcription factor 1 like; minus strand). Cytogenetic location: 2p25.3.
Variant type: single nucleotide variant.
Coding change: c.409G>T on transcript NM_001303052.2 (MANE Select); coding-DNA position 409, G replaced by T.
Protein change: p.Glu137Ter; replaces glutamic acid 137 with a stop codon.
Molecular consequence: nonsense.
Genome position (GRCh38, 1-based): chr2:1,943,078, C>A on the plus strand (G>T on the coding strand, the complement: MYT1L is on the minus strand). VCF-style: chr2-1943078-C-A. GRCh37 (hg19) VCF-style: chr2-1946850-C-A.
Other names: c.409G>T, p.Glu137Ter (NM_001329844.2, NM_001329845.1, NM_001329846.3 and 6 more transcripts); short protein forms E137*.
Identifiers: ClinVar variation 3393564 (VCV003393564.1).
Genomic context (GRCh38, chr2:1,943,078, plus strand): 5'-CCTCTTCCTCTTCTTCATCCTCCACATCTTCTCCATCCTCGTCATCGTCCTCATCCTCCT[C>A]CTCGATCTCCTCCTCCTCCTCCCGGTCCCCCTCCTCGTCCTCCTCGTCCTCATCCCCTGG-3'